The following is an entry in ClinVar:

ClinVar aggregate classification (germline): Uncertain significance (1 of 4 stars; one submission).

Conditions:
Microcephaly, normal intelligence and immunodeficiency (NBS). Also called: Nijmegen breakage syndrome; Microcephaly with normal intelligence immunodeficiency and lymphoreticular malignancies; Nonsyndromal microcephaly autosomal recessive with normal intelligence; Seemanova syndrome 2; BERLIN BREAKAGE SYNDROME; IMMUNODEFICIENCY, MICROCEPHALY, AND CHROMOSOMAL INSTABILITY. Identifiers: Orphanet 647, MedGen C0398791, MONDO:0009623, OMIM 251260.

Submission:

Labcorp Genetics (formerly Invitae), Labcorp
Classification: Uncertain significance for Microcephaly, normal intelligence and immunodeficiency. Last evaluated: 2024-11-24. Review status: criteria provided, single submitter. Criteria: Invitae Variant Classification Sherloc (09022015). Collection method: clinical testing. Allele origin: germline.
Comment: This sequence change replaces tryptophan, which is neutral and slightly polar, with phenylalanine, which is neutral and non-polar, at codon 143 of the NBN protein (p.Trp143Phe). Information on the frequency of this variant in the gnomAD database is not available, as this variant may be reported differently in the database. This variant has not been reported in the literature in individuals affected with NBN-related conditions. An algorithm developed to predict the effect of missense changes on protein structure and function (PolyPhen-2) suggests that this variant is likely to be disruptive. In summary, the available evidence is currently insufficient to determine the role of this variant in disease. Therefore, it has been classified as a Variant of Uncertain Significance.

NM_002485.5(NBN):c.428_429delinsTT (p.Trp143Phe)

Gene: NBN (nibrin; minus strand). Cytogenetic location: 8q21.3.
Variant type: Indel.
Coding change: c.428_429delinsTT on transcript NM_002485.5 (MANE Select); coding-DNA positions 428 to 429, GG replaced by TT.
Protein change: p.Trp143Phe; replaces tryptophan 143 with phenylalanine.
Molecular consequence: missense variant.
Genome position (GRCh38, 1-based): chr8:89,980,785-89,980,786, CC replaced by AA on the plus strand (GG replaced by TT on the coding strand, the reverse complement: NBN is on the minus strand). VCF-style: chr8-89980785-CC-AA. GRCh37 (hg19) VCF-style: chr8-90993013-CC-AA.
Other names: c.182_183delinsTT, p.Trp61Phe (NM_001024688.3); short protein forms W143F, W61F.
Identifiers: ClinVar variation 3725954 (VCV003725954.2).
Genomic context (GRCh38, chr8:89,980,785, plus strand): 5'-TCAACCTACTTTAATGGTAACTTTCACTGATACCATGACAAGGTGAGTGCATTCTTCTGT[CC>AA]AATTGTTTACAGTAAATCCTCCAAGTTGCAATATAGCTTGATTTAAAGCAGTTTTCCCAG-3'
Protein context (NP_002476.2, residues 133-153): LQLGGFTVNN[Trp143Phe]TEECTHLVMV